The following is an entry in ClinVar:

ClinVar aggregate classification (germline): Pathogenic (1 of 4 stars; one submission).

Conditions:
Duchenne muscular dystrophy (DMD). Also called: Duchenne Muscular Dystrophy (DMD); MUSCULAR DYSTROPHY, PSEUDOHYPERTROPHIC PROGRESSIVE, DUCHENNE TYPE. Identifiers: Orphanet 98896, MedGen C0013264, MONDO:0010679, OMIM 310200.
Becker muscular dystrophy (BMD). Also called: MUSCULAR DYSTROPHY, PSEUDOHYPERTROPHIC PROGRESSIVE, BECKER TYPE; Becker Muscular Dystrophy (BMD). Identifiers: Orphanet 98895, MedGen C0917713, MONDO:0010311, OMIM 300376.
Dilated cardiomyopathy 3B (CMD3B). Also called: CMD3B: DMD-Related Dilated Cardiomyopathy; CARDIOMYOPATHY, DILATED, X-LINKED; DMD-Associated Dilated Cardiomyopathy. Identifiers: Orphanet 154, MedGen C3668940, MONDO:0010542, OMIM 302045.

Submission:

Juno Genomics, Hangzhou Juno Genomics, Inc
Classification: Pathogenic for Becker muscular dystrophy; Dilated cardiomyopathy 3B; Duchenne muscular dystrophy. Review status: criteria provided, single submitter. Criteria: ACMG Guidelines, 2015. Collection method: clinical testing. Allele origin: germline. Affected: yes.
Comment: Absent from controls (or at extremely low frequency if recessive) in Genome Aggregation Database, Exome Sequencing Project, 1000 Genomes Project, or Exome Aggregation Consortium.;Null variant in a gene where loss of function (LOF) is a known mechanism of disease.

NM_004006.3(DMD):c.4474_4475del (p.Ser1492fs)

Gene: DMD (dystrophin; minus strand). Cytogenetic location: Xp21.1.
Variant type: Microsatellite.
Coding change: c.4474_4475del on transcript NM_004006.3 (MANE Select); coding-DNA positions 4474 to 4475, 2 bases deleted (AG; older notation c.4474_4475delAG).
Protein change: p.Ser1492fs; shifts the reading frame from serine 1492.
Molecular consequence: frameshift variant.
Genome position (GRCh38, 1-based): chrX:32,389,544-32,389,545, CT deleted on the plus strand (AG on the coding strand, the reverse complement: DMD is on the minus strand); deleting any 2 consecutive bases within chrX:32,389,544-32,389,547 gives the same sequence; the c. name uses the placement nearest the transcript's 3' end. VCF-style (leftmost placement, unchanged base first): chrX-32389543-ACT-A. GRCh37 (hg19) VCF-style: chrX-32407660-ACT-A.
Other names: c.4450_4451del, p.Ser1484fs (NM_000109.4); c.4472_4473AG[1], p.Ser1492Cysfs (NM_004006.2); c.4462_4463del, p.Ser1488fs (NM_004009.3); c.4105_4106del, p.Ser1369fs (NM_004010.3); c.451_452del, p.Ser151fs (NM_004011.4); c.442_443del, p.Ser148fs (NM_004012.4); c.4474_4475del (NM_004006.2); short protein forms S1369fs, S1484fs, S1488fs, S148fs, S1492fs, S151fs.
Identifiers: ClinVar variation 3382928 (VCV003382928.2).